The following is an entry in ClinVar:

ClinVar aggregate classification (germline): Uncertain significance. Review status: criteria provided, multiple submitters, no conflicts (2 of 4 stars). 3 submissions from 3 submitters: Uncertain significance (3). Last evaluated 2024-04-23.

Conditions:
Oculocutaneous albinism type 1A (OCA1A). Also called: Albinism, oculocutaneous, type IA. Identifiers: Orphanet 352731, Orphanet 79431, MedGen C4551504, MONDO:0008745, OMIM 203100. Disease mechanism: loss of function.
Oculocutaneous albinism type 1B (OCA1B). Also called: ALBINISM, OCULOCUTANEOUS, TYPE IB; ALBINISM, YELLOW MUTANT TYPE; YELLOW ALBINISM. Identifiers: Orphanet 352731, Orphanet 352737, Orphanet 79434, MedGen C1847024, MONDO:0011749, OMIM 606952.
SKIN/HAIR/EYE PIGMENTATION 3, LIGHT/DARK SKIN (SHEP3). Also called: SKIN/HAIR/EYE PIGMENTATION, VARIATION IN, 3; EYE COLOR 1; EYE COLOR, GREEN/BLUE; SKIN/HAIR/EYE PIGMENTATION 3, BLUE/GREEN EYE COLOR; SKIN/HAIR/EYE PIGMENTATION 3, FRECKLING. Identifiers: MedGen C2677190, OMIM 601800.

Submissions (3):

Fulgent Genetics
Classification: Uncertain significance for Oculocutaneous albinism type 1A; SKIN/HAIR/EYE PIGMENTATION 3, LIGHT/DARK SKIN; Oculocutaneous albinism type 1B. Last evaluated: 2024-04-23. Review status: criteria provided, single submitter. Criteria: ACMG Guidelines, 2015. Collection method: clinical testing. Allele origin: germline.

Women's Health and Genetics/Laboratory Corporation of America, LabCorp
Classification: Uncertain significance. Last evaluated: 2024-01-12. Review status: criteria provided, single submitter. Criteria: LabCorp Variant Classification Summary - May 2015. Collection method: clinical testing. Allele origin: germline.
Comment: Variant summary: TYR c.1556_1557delAG (p.Glu519GlyfsX27) causes a frameshift which results in an extension of the protein. The variant allele was found at a frequency of 8e-05 in 275138 control chromosomes, predominantly at a frequency of 0.00089 within the African or African-American subpopulation in the gnomAD database. This frequency is not significantly higher than estimated for a pathogenic variant in TYR causing Oculocutaneous Albinism (8e-05 vs 0.0056), allowing no conclusion about variant significance. To our knowledge, no occurrence of c.1556_1557delAG in individuals affected with Oculocutaneous Albinism and no experimental evidence demonstrating its impact on protein function have been reported. No submitters have cited clinical-significance assessments for this variant to ClinVar. Based on the evidence outlined above, the variant was classified as uncertain significance.

Blueprint Genetics
Classification: Uncertain significance. Last evaluated: 2023-09-14. Review status: criteria provided, single submitter. Criteria: ACMG Guidelines, 2015. Collection method: clinical testing. Allele origin: germline.

NM_000372.5(TYR):c.1556_1557del (p.Glu519fs)

Gene: TYR (tyrosinase; plus strand). Cytogenetic location: 11q14.3.
Variant type: Microsatellite.
Coding change: c.1556_1557del on transcript NM_000372.5 (MANE Select); coding-DNA positions 1556 to 1557, 2 bases deleted (AG; older notation c.1556_1557delAG).
Protein change: p.Glu519fs; shifts the reading frame from glutamic acid 519.
Molecular consequence: frameshift variant.
Genome position (GRCh38, 1-based): chr11:89,295,332-89,295,333, AG deleted; deleting any 2 consecutive bases within chr11:89,295,330-89,295,333 gives the same sequence; the c. name uses the placement nearest the transcript's 3' end. VCF-style (leftmost placement, unchanged base first): chr11-89295329-AAG-A. GRCh37 (hg19) VCF-style: chr11-89028497-AAG-A.
Other names: c.1556_1557delAG (NM_000372.5); short protein forms E519fs.
Identifiers: ClinVar variation 3063876 (VCV003063876.3), dbSNP rs765024056, ClinGen allele CA6221500.
Genomic context (GRCh38, chr11:89,295,329, plus strand): 5'-TGCTGTGTCGTCACAAGAGAAAGCAGCTTCCTGAAGAAAAGCAGCCACTCCTCATGGAGA[AAG>A]AGGATTACCACAGCTTGTATCAGAGCCATTTATAAAAGGCTTAGGCAATAGAGTAGGGCC-3'